The following is an entry in ClinVar:

ClinVar aggregate classification (germline): Uncertain significance (1 of 4 stars; one submission).

Allele frequency attached by ClinVar (database versions not stated): gnomAD exomes below 0.00001; TOPMed 0.00001.
gnomAD v4.1: 7 of 1,614,078 alleles (0.00043%); highest among the groups gnomAD compares: Non-Finnish European, 0.00051%; no homozygotes.

Submission:

Labcorp Genetics (formerly Invitae), Labcorp
Classification: Uncertain significance. Last evaluated: 2022-12-15. Review status: criteria provided, single submitter. Criteria: Invitae Variant Classification Sherloc (09022015). Collection method: clinical testing. Allele origin: germline.
Comment: Algorithms developed to predict the effect of missense changes on protein structure and function are either unavailable or do not agree on the potential impact of this missense change (SIFT: "Deleterious"; PolyPhen-2: "Probably Damaging"; Align-GVGD: "Class C0"). This variant has not been reported in the literature in individuals affected with MICAL1-related conditions. This variant is not present in population databases (gnomAD no frequency). This sequence change replaces cysteine, which is neutral and slightly polar, with arginine, which is basic and polar, at codon 321 of the MICAL1 protein (p.Cys321Arg). In summary, the available evidence is currently insufficient to determine the role of this variant in disease. Therefore, it has been classified as a Variant of Uncertain Significance.

NM_022765.4(MICAL1):c.904T>C (p.Cys302Arg)

Gene: MICAL1 (microtubule associated monooxygenase, calponin and LIM domain containing 1; minus strand). Cytogenetic location: 6q21.
Variant type: single nucleotide variant.
Coding change: c.904T>C on transcript NM_022765.4 (MANE Select); coding-DNA position 904, T replaced by C.
Protein change: p.Cys302Arg; replaces cysteine 302 with arginine.
Molecular consequence: missense variant.
Genome position (GRCh38, 1-based): chr6:109,451,629, A>G on the plus strand (T>C on the coding strand, the complement: MICAL1 is on the minus strand). VCF-style: chr6-109451629-A-G. GRCh37 (hg19) VCF-style: chr6-109772832-A-G.
Other names: c.904T>C, p.Cys302Arg (NM_001159291.2); c.961T>C, p.Cys321Arg (NM_001286613.2); short protein forms C321R, C302R.
Identifiers: ClinVar variation 2986493 (VCV002986493.3), dbSNP rs1775547318, ClinGen allele CA365232134.